The following is an entry in ClinVar:

NM_000044.6(AR):c.1805G>A (p.Cys602Tyr)

Gene: AR (androgen receptor; plus strand). Cytogenetic location: Xq12.
Variant type: single nucleotide variant.
Coding change: c.1805G>A on transcript NM_000044.6 (MANE Select); coding-DNA position 1805, G replaced by A.
Protein change: p.Cys602Tyr; replaces cysteine 602 with tyrosine.
Molecular consequence: missense variant. On other transcripts: 3 prime UTR variant (1).
Genome position (GRCh38, 1-based): chrX:67,686,046, G>A. VCF-style: chrX-67686046-G-A. GRCh37 (hg19) VCF-style: chrX-66905888-G-A.
Other names: c.209G>A, p.Cys70Tyr (NM_001011645.3); c.1805G>A, p.Cys602Tyr (NM_001348061.1, NM_001348063.1); c.*3G>A (NM_001348064.1); short protein forms C602Y, C70Y.
Identifiers: ClinVar variation 458359 (VCV000458359.8), dbSNP rs1555990470, ClinGen allele CA413429210.

ClinVar aggregate classification (germline): Likely pathogenic (1 of 4 stars; one submission).

Conditions:
Androgen resistance syndrome (AIS). Also called: ANDROGEN RECEPTOR DEFICIENCY; DIHYDROTESTOSTERONE RECEPTOR DEFICIENCY; Androgen insensitivity syndrome; TESTICULAR FEMINIZATION SYNDROME; Androgen insensitivity; Androgen insensitivity syndrome due to coactivator deficiency. Identifiers: Orphanet 754, Orphanet 99429, MedGen C0039585, MONDO:0019154, OMIM 300068. Disease mechanism: loss of function.
Kennedy disease (SMAX1). Also called: SPINAL AND BULBAR MUSCULAR ATROPHY, X-LINKED 1; Spinal and Bulbar Muscular Atrophy; KENNEDY SPINAL AND BULBAR MUSCULAR ATROPHY. Identifiers: Orphanet 481, MedGen C1839259, MONDO:0010735, OMIM 313200.

Submission:

Labcorp Genetics (formerly Invitae), Labcorp
Classification: Likely pathogenic for Kennedy disease; Androgen resistance syndrome. Last evaluated: 2017-09-18. Review status: criteria provided, single submitter. Criteria: Invitae Variant Classification Sherloc (09022015). Collection method: clinical testing. Allele origin: germline.
Comment: In summary, the currently available evidence indicates that the variant is pathogenic, but additional data are needed to prove that conclusively. Therefore, this variant has been classified as Likely Pathogenic. This sequence change replaces cysteine with tyrosine at codon 602 of the AR protein (p.Cys602Tyr). The cysteine residue is highly conserved and there is a large physicochemical difference between cysteine and tyrosine. This variant is not present in population databases (ExAC no frequency). This variant has not been reported in the literature in individuals with a AR-related disease. However, two different missense substitutions at this codon (p.Cys602Ser and p.Cys602Phe) have been reported and determined to be likely pathogenic in individuals with androgen insensitivity syndrome and having reduction of ligand-binding and transactivation activities (PMID: 20493947, 7981689). This suggests that the cysteine residue is critical for AR protein function and that other missense substitutions at this position may also be pathogenic. Algorithms developed to predict the effect of missense changes on protein structure and function do not agree on the potential impact of this missense change (SIFT: "Deleterious"; PolyPhen-2: "Probably Damaging"; Align-GVGD: "Class C0").

Literature cited by the submitters: PubMed 20493947; PubMed 7981689.